The following is an entry in ClinVar:

NM_005260.7(GDF9):c.1205T>C (p.Val402Ala)

Gene: GDF9 (growth differentiation factor 9; minus strand). Cytogenetic location: 5q31.1.
Variant type: single nucleotide variant.
Coding change: c.1205T>C on transcript NM_005260.7 (MANE Select); coding-DNA position 1205, T replaced by C.
Protein change: p.Val402Ala; replaces valine 402 with alanine.
Molecular consequence: missense variant.
Genome position (GRCh38, 1-based): chr5:132,861,749, A>G on the plus strand (T>C on the coding strand, the complement: GDF9 is on the minus strand). VCF-style: chr5-132861749-A-G. GRCh37 (hg19) VCF-style: chr5-132197441-A-G.
Other names: c.941T>C, p.Val314Ala (NM_001288824.4, NM_001288825.4, NM_001288826.3 and 2 more transcripts); short protein forms V314A, V402A.
Identifiers: ClinVar variation 3898891 (VCV003898891.1).

ClinVar aggregate classification (germline): Uncertain significance (1 of 4 stars; one submission).

Submission:

GeneDx
Classification: Uncertain significance. Last evaluated: 2023-04-25. Review status: criteria provided, single submitter. Criteria: GeneDx Variant Classification Process June 2021. Collection method: clinical testing. Allele origin: germline. Affected: yes.
Comment: In silico analysis supports that this missense variant has a deleterious effect on protein structure/function; Has not been previously published as pathogenic or benign to our knowledge; Variants in candidate genes are classified as variants of uncertain significance in accordance with ACMG guidelines (Richards et al., 2015)